The following is an entry in ClinVar:

ClinVar aggregate classification (germline): Likely pathogenic (1 of 4 stars; one submission).

Conditions:
Bloom syndrome (BLM). Also called: Bloom-Torre-Machacek syndrome. Identifiers: Orphanet 125, MedGen C0005859, MONDO:0008876, OMIM 210900.

Submission:

Natera, Inc.
Classification: Likely pathogenic for Bloom syndrome. Last evaluated: 2024-08-06. Review status: criteria provided, single submitter. Criteria: Natera Variant Classification Schema (03/2026). Collection method: clinical testing. Allele origin: germline.
Comment: The c.3499_3503del variant in BLM is a frameshift variant predicted to shift the reading frame beginning at codon 1167 and leads to a stop codon 8 codons downstream. This variant is expected to result in nonsense mediated decay, truncation, or a dysfunctional protein product. This variant is rare in the general population with a frequency below the threshold expected for the associated phenotype(s). Given the available evidence, this variant is classified as Likely Pathogenic.

NM_000057.4(BLM):c.3499_3503del (p.Ala1167fs)

Gene: BLM (BLM RecQ like helicase; plus strand). Cytogenetic location: 15q26.1.
Variant type: Deletion.
Coding change: c.3499_3503del on transcript NM_000057.4 (MANE Select); coding-DNA positions 3499 to 3503, 5 bases deleted (GCGAT; older notation c.3499_3503delGCGAT).
Protein change: p.Ala1167fs; shifts the reading frame from alanine 1167.
Molecular consequence: frameshift variant. On other transcripts: intron variant (1).
Genome position (GRCh38, 1-based): chr15:90,803,661-90,803,665, GCGAT deleted. VCF-style (leftmost placement, unchanged base first): chr15-90803660-GGCGAT-G. GRCh37 (hg19) VCF-style: chr15-91346890-GGCGAT-G.
Other names: c.3499_3503del, p.Ala1167fs (NM_001287246.2); c.2374_2378del, p.Ala792fs (NM_001287248.2); c.3358+5324_3358+5328del (NM_001287247.2); short protein forms A1167fs, A792fs.
Identifiers: ClinVar variation 4815858 (VCV004815858.1).